The following is an entry in ClinVar:

ClinVar aggregate classification (germline): Uncertain significance (1 of 4 stars; one submission).

Conditions:
Leigh syndrome (NULS). Also called: Leigh's necrotizing encephalopathy; Leigh's disease; Leigh Syndrome (mtDNA deletion); Leigh Disease; Subacute necrotizing encephalopathy; Necrotizing encephalopathy infantile subacute of Leigh. Identifiers: Orphanet 506, MedGen C2931891, MONDO:0009723, OMIM 256000.

Submission:

Wong Mito Lab, Molecular and Human Genetics, Baylor College of Medicine
Classification: Uncertain significance for Leigh syndrome. Last evaluated: 2019-10-17. Review status: criteria provided, single submitter. Criteria: Modified ACMG Guidelines (Unpublished). Collection method: clinical testing. Allele origin: germline.
Comment: The NC_012920.1:m.7686T>C (YP_003024029.1:p.Ile34Thr) variant in MTCO2 gene is interpretated to be a Uncertain Significance variant based on the modified ACMG guidelines (unpublished). This variant meets the following evidence codes: BS1

NC_012920.1(MT-CO2):m.7686T>C

Gene: MT-CO2 (mitochondrially encoded cytochrome c oxidase II; plus strand).
Variant type: single nucleotide variant.
Genome position: chrM-7686-T-C.
Identifiers: ClinVar variation 692760 (VCV000692760.1), dbSNP rs1603221081, ClinGen allele CA414793307.